The following is an entry in ClinVar:

NM_004171.4(SLC1A2):c.251T>G (p.Ile84Arg)

Gene: SLC1A2 (solute carrier family 1 member 2; minus strand). Cytogenetic location: 11p13.
Variant type: single nucleotide variant.
Coding change: c.251T>G on transcript NM_004171.4 (MANE Select); coding-DNA position 251, T replaced by G.
Protein change: p.Ile84Arg; replaces isoleucine 84 with arginine.
Molecular consequence: missense variant.
Genome position (GRCh38, 1-based): chr11:35,315,082, A>C on the plus strand (T>G on the coding strand, the complement: SLC1A2 is on the minus strand). VCF-style: chr11-35315082-A-C. GRCh37 (hg19) VCF-style: chr11-35336629-A-C.
Other names: c.224T>G, p.Ile75Arg (NM_001195728.3, NM_001252652.2); short protein forms I75R, I84R.
Identifiers: ClinVar variation 3600596 (VCV003600596.1).
Genomic context (GRCh38, chr11:35,315,082, plus strand): 5'-CCTGTGATTAAGCTGGAGATGATTAGAGGGAGAATGAGCATTTTTAGCATCCTCATGAGT[A>C]TATCCCCTGGGAAGGCTATTAACATAACCACATCAGGGTGGATGGGAGATGCCAAGCGAA-3'
Protein context (NP_004162.2, residues 74-94): VVMLIAFPGD[Ile84Arg]LMRMLKMLIL

ClinVar aggregate classification (germline): Uncertain significance (1 of 4 stars; one submission).

Submission:

GeneDx
Classification: Uncertain significance. Last evaluated: 2024-07-26. Review status: criteria provided, single submitter. Criteria: GeneDx Variant Classification Process June 2021. Collection method: clinical testing. Allele origin: germline. Affected: yes.
Comment: Not observed at significant frequency in large population cohorts (gnomAD); In silico analysis supports that this missense variant has a deleterious effect on protein structure/function; Has not been previously published as pathogenic or benign to our knowledge